The following is an entry in ClinVar:

ClinVar aggregate classification (germline): Uncertain significance. Review status: criteria provided, multiple submitters, no conflicts (2 of 4 stars). 2 submissions from 2 submitters: Uncertain significance (2). Last evaluated 2025-10-06.

Conditions:
Hereditary cancer-predisposing syndrome. Also called: Neoplastic Syndromes, Hereditary; Tumor predisposition; Hereditary neoplastic syndrome; Hereditary Cancer Syndrome. Identifiers: Orphanet 140162, MedGen C0027672, MeSH D009386, MONDO:0015356.

Allele frequency attached by ClinVar (database versions not stated): gnomAD exomes below 0.00001 and 0.00001; ExAC 0.00001; TOPMed 0.00002.
gnomAD v4.1: 3 of 1,613,032 alleles (0.00019%); highest among the groups gnomAD compares: African/African-American, 0.0027%; no homozygotes.

Submissions (2):

Ambry Genetics
Classification: Uncertain significance for Hereditary cancer-predisposing syndrome. Last evaluated: 2025-10-06. Review status: criteria provided, single submitter. Criteria: Ambry Variant Classification Scheme 2023. Collection method: clinical testing. Allele origin: germline.
Comment: The p.K745N variant (also known as c.2235G>C), located in coding exon 14 of the RAD50 gene, results from a G to C substitution at nucleotide position 2235. The lysine at codon 745 is replaced by asparagine, an amino acid with similar properties. This amino acid position is well conserved in available vertebrate species. In addition, this alteration is predicted to be tolerated by in silico analysis. Since supporting evidence is limited at this time, the clinical significance of this alteration remains unclear.

Labcorp Genetics (formerly Invitae), Labcorp
Classification: Uncertain significance for Hereditary cancer-predisposing syndrome. Last evaluated: 2024-05-03. Review status: criteria provided, single submitter. Criteria: Invitae Variant Classification Sherloc (09022015). Collection method: clinical testing. Allele origin: germline.
Comment: This sequence change replaces lysine, which is basic and polar, with asparagine, which is neutral and polar, at codon 745 of the RAD50 protein (p.Lys745Asn). This variant is present in population databases (rs750418251, gnomAD 0.01%). This variant has not been reported in the literature in individuals affected with RAD50-related conditions. ClinVar contains an entry for this variant (Variation ID: 580801). Advanced modeling of protein sequence and biophysical properties (such as structural, functional, and spatial information, amino acid conservation, physicochemical variation, residue mobility, and thermodynamic stability) performed at Invitae indicates that this missense variant is not expected to disrupt RAD50 protein function with a negative predictive value of 80%. In summary, the available evidence is currently insufficient to determine the role of this variant in disease. Therefore, it has been classified as a Variant of Uncertain Significance.

NM_005732.4(RAD50):c.2235G>C (p.Lys745Asn)

Gene: RAD50 (RAD50 double strand break repair protein; plus strand). Cytogenetic location: 5q31.1.
Variant type: single nucleotide variant.
Coding change: c.2235G>C on transcript NM_005732.4 (MANE Select); coding-DNA position 2235, G replaced by C.
Protein change: p.Lys745Asn; replaces lysine 745 with asparagine.
Molecular consequence: missense variant.
Genome position (GRCh38, 1-based): chr5:132,603,327, G>C. VCF-style: chr5-132603327-G-C. GRCh37 (hg19) VCF-style: chr5-131939019-G-C.
Other names: short protein forms K745N.
Identifiers: ClinVar variation 580801 (VCV000580801.15), dbSNP rs750418251, ClinGen allele CA3405359.